The following is an entry in ClinVar:

NM_014339.7(IL17RA):c.277G>A (p.Val93Met)

Gene: IL17RA (interleukin 17 receptor A; plus strand). Cytogenetic location: 22q11.1.
Variant type: single nucleotide variant.
Coding change: c.277G>A on transcript NM_014339.7 (MANE Select); coding-DNA position 277, G replaced by A.
Protein change: p.Val93Met; replaces valine 93 with methionine.
Molecular consequence: missense variant.
Genome position (GRCh38, 1-based): chr22:17,097,910, G>A. VCF-style: chr22-17097910-G-A. GRCh37 (hg19) VCF-style: chr22-17578800-G-A.
Other names: c.277G>A, p.Val93Met (NM_001289905.2); short protein forms V93M.
Identifiers: ClinVar variation 658649 (VCV000658649.7), dbSNP rs147495146, ClinGen allele CA10086281.

ClinVar aggregate classification (germline): Uncertain significance. Review status: criteria provided, multiple submitters, no conflicts (2 of 4 stars). 3 submissions from 3 submitters: Uncertain significance (3). Last evaluated 2024-03-20.

Conditions:
Immunodeficiency 51 (IMD51). Also called: CANDIDIASIS, FAMILIAL, 5. Identifiers: Orphanet 1334, MedGen C4310803, MONDO:0013500, OMIM 613953.

Allele frequency attached by ClinVar (database versions not stated): gnomAD exomes 0.00004 and 0.00010; ExAC 0.00012; TOPMed 0.00043; gnomAD 0.00050 and 0.00054; ESP Exome Variant Server 0.00069.
gnomAD v4.1: 138 of 1,614,162 alleles (0.0085%); highest among the groups gnomAD compares: African/African-American, 0.15%; no homozygotes.

Submissions (3):

Blueprint Genetics
Classification: Uncertain significance. Last evaluated: 2024-03-20. Review status: criteria provided, single submitter. Criteria: ACMG Guidelines, 2015. Collection method: clinical testing. Allele origin: germline.

Labcorp Genetics (formerly Invitae), Labcorp
Classification: Uncertain significance for Immunodeficiency 51. Last evaluated: 2022-08-05. Review status: criteria provided, single submitter. Criteria: Invitae Variant Classification Sherloc (09022015). Collection method: clinical testing. Allele origin: germline.
Comment: This sequence change replaces valine, which is neutral and non-polar, with methionine, which is neutral and non-polar, at codon 93 of the IL17RA protein (p.Val93Met). This variant is present in population databases (rs147495146, gnomAD 0.1%). This variant has not been reported in the literature in individuals affected with IL17RA-related conditions. ClinVar contains an entry for this variant (Variation ID: 658649). Algorithms developed to predict the effect of missense changes on protein structure and function are either unavailable or do not agree on the potential impact of this missense change (SIFT: "Deleterious"; PolyPhen-2: "Possibly Damaging"; Align-GVGD: "Class C0"). In summary, the available evidence is currently insufficient to determine the role of this variant in disease. Therefore, it has been classified as a Variant of Uncertain Significance.

Baylor Genetics
Classification: Uncertain significance for Immunodeficiency 51. Last evaluated: 2018-04-27. Review status: criteria provided, single submitter. Criteria: ACMG Guidelines, 2015. Collection method: clinical testing. Allele origin: paternal. Affected: yes.
Comment: This variant was determined to be of uncertain significance according to ACMG Guidelines, 2015 [PMID:25741868].